The following is an entry in ClinVar:

ClinVar aggregate classification (germline): Uncertain significance (1 of 4 stars; one submission).

Conditions:
Classic or attenuated familial adenomatous polyposis. Identifiers: MedGen CN372698, MONDO:0021057.

Submission:

All of Us Research Program, National Institutes of Health
Classification: Uncertain significance for Classic or attenuated familial adenomatous polyposis. Last evaluated: 2024-08-06. Review status: criteria provided, single submitter. Criteria: ACMG Guidelines, 2015. Collection method: clinical testing. Allele origin: germline. Inheritance: Autosomal dominant inheritance. Observed: 1 variant allele, 1 heterozygote.
Comment: This study involves interpretation of variants in research participants for the purpose of population health screening. Participant phenotype was not available at the time of variant classification. Additional details can be found in publication PMID: 35346344, PMCID: PMC8962531

NM_000038.6(APC):c.3125G>A (p.Ser1042Asn)

Gene: APC (APC regulator of WNT signaling pathway; plus strand). Cytogenetic location: 5q22.2.
Variant type: single nucleotide variant.
Coding change: c.3125G>A on transcript NM_000038.6 (MANE Select); coding-DNA position 3125, G replaced by A.
Protein change: p.Ser1042Asn; replaces serine 1042 with asparagine.
Molecular consequence: missense variant. On other transcripts: non-coding transcript variant (2).
Genome position (GRCh38, 1-based): chr5:112,838,719, G>A. VCF-style: chr5-112838719-G-A. GRCh37 (hg19) VCF-style: chr5-112174416-G-A.
Other names: c.3125G>A, p.Ser1042Asn (NM_001127510.3, NM_001354895.2, NM_001407450.1); c.3071G>A, p.Ser1024Asn (NM_001127511.3); c.3179G>A, p.Ser1060Asn (NM_001354896.2, NM_001407447.1, NM_001407448.1 and 1 more transcripts); c.3155G>A, p.Ser1052Asn (NM_001354897.2); c.3050G>A, p.Ser1017Asn (NM_001354898.2); c.3041G>A, p.Ser1014Asn (NM_001354899.2); c.3002G>A, p.Ser1001Asn (NM_001354900.2); c.2948G>A, p.Ser983Asn (NM_001354901.2, NM_001407453.1); and 11 more; short protein forms S1001N, S1014N, S1017N, S1024N, S1032N, S1035N, S1042N, S1052N.
Identifiers: ClinVar variation 3386430 (VCV003386430.1).
Genomic context (GRCh38, chr5:112,838,719, plus strand): 5'-ATACACCAATAAATTATAGTCTTAAATATTCAGATGAGCAGTTGAACTCTGGAAGGCAAA[G>A]TCCTTCACAGAATGAAAGATGGGCAAGACCCAAACACATAATAGAAGATGAAATAAAACA-3'
Protein context (NP_000029.2, residues 1032-1052): SDEQLNSGRQ[Ser1042Asn]PSQNERWARP